The following is an entry in ClinVar:

NM_139076.3(ABRAXAS1):c.797-3T>C

Gene: ABRAXAS1 (abraxas 1, BRCA1 A complex subunit; minus strand). Cytogenetic location: 4q21.23.
Variant type: single nucleotide variant.
Coding change: c.797-3T>C on transcript NM_139076.3 (MANE Select); 3 bases into the intron before coding-DNA position 797, T replaced by C.
Molecular consequence: intron variant.
Genome position (GRCh38, 1-based): chr4:83,462,905, A>G on the plus strand (T>C on the coding strand, the complement: ABRAXAS1 is on the minus strand). VCF-style: chr4-83462905-A-G. GRCh37 (hg19) VCF-style: chr4-84384058-A-G.
Other names: c.470-3T>C (NM_001345962.2).
Identifiers: ClinVar variation 1015632 (VCV001015632.8), dbSNP rs971707943, ClinGen allele CA100678566.

ClinVar aggregate classification (germline): Uncertain significance (1 of 4 stars; one submission).

Allele frequency attached by ClinVar (database versions not stated): gnomAD exomes below 0.00001; TOPMed 0.00001.
gnomAD v4.1: 5 of 1,542,904 alleles (0.00032%); highest among the groups gnomAD compares: Middle Eastern, 0.017%; no homozygotes.

Submission:

Labcorp Genetics (formerly Invitae), Labcorp
Classification: Uncertain significance. Last evaluated: 2021-04-21. Review status: criteria provided, single submitter. Criteria: Invitae Variant Classification Sherloc (09022015). Collection method: clinical testing. Allele origin: germline.
Comment: This sequence change falls in intron 8 of the FAM175A gene. It does not directly change the encoded amino acid sequence of the FAM175A protein, but it affects a nucleotide within the consensus splice site of the intron. This variant is not present in population databases (ExAC no frequency). This variant has not been reported in the literature in individuals with FAM175A-related disease. Nucleotide substitutions within the consensus splice site are a relatively common cause of aberrant splicing (PMID: 17576681, 9536098). Algorithms developed to predict the effect of sequence changes on RNA splicing suggest that this variant is not likely to affect RNA splicing, but this prediction has not been confirmed by published transcriptional studies. In summary, the available evidence is currently insufficient to determine the role of this variant in disease. Therefore, it has been classified as a Variant of Uncertain Significance.

Literature cited by the submitters: PubMed 17576681; PubMed 9536098.